The following is an entry in ClinVar:

ClinVar aggregate classification (germline): Uncertain significance (1 of 4 stars; one submission).

Conditions:
Dilated cardiomyopathy 1O (CMD1O). Also called: CARDIOMYOPATHY, DILATED, WITH VENTRICULAR TACHYCARDIA. Identifiers: Orphanet 154, MedGen C1837839, MONDO:0012062, OMIM 608569.

Submission:

Labcorp Genetics (formerly Invitae), Labcorp
Classification: Uncertain significance for Dilated cardiomyopathy 1O. Last evaluated: 2023-08-11. Review status: criteria provided, single submitter. Criteria: Invitae Variant Classification Sherloc (09022015). Collection method: clinical testing. Allele origin: germline.
Comment: This variant has not been reported in the literature in individuals affected with ABCC9-related conditions. This variant is not present in population databases (gnomAD no frequency). This sequence change replaces arginine, which is basic and polar, with glycine, which is neutral and non-polar, at codon 984 of the ABCC9 protein (p.Arg984Gly). In summary, the available evidence is currently insufficient to determine the role of this variant in disease. Therefore, it has been classified as a Variant of Uncertain Significance. Advanced modeling of protein sequence and biophysical properties (such as structural, functional, and spatial information, amino acid conservation, physicochemical variation, residue mobility, and thermodynamic stability) performed at Invitae indicates that this missense variant is not expected to disrupt ABCC9 protein function.

NM_020297.4(ABCC9):c.2950C>G (p.Arg984Gly)

Gene: ABCC9 (ATP binding cassette subfamily C member 9; minus strand). Cytogenetic location: 12p12.1.
Variant type: single nucleotide variant.
Coding change: c.2950C>G on transcript NM_020297.4 (MANE Select); coding-DNA position 2950, C replaced by G.
Protein change: p.Arg984Gly; replaces arginine 984 with glycine.
Molecular consequence: missense variant.
Genome position (GRCh38, 1-based): chr12:21,845,749, G>C on the plus strand (C>G on the coding strand, the complement: ABCC9 is on the minus strand). VCF-style: chr12-21845749-G-C. GRCh37 (hg19) VCF-style: chr12-21998683-G-C.
Other names: c.2950C>G, p.Arg984Gly (NM_001377273.1, NM_005691.4); c.2083C>G, p.Arg695Gly (NM_001377274.1); short protein forms R984G, R695G.
Identifiers: ClinVar variation 2751932 (VCV002751932.3), dbSNP rs78979794, ClinGen allele CA384120287.